The following is an entry in ClinVar:

NM_000277.3(PAH):c.608G>A (p.Cys203Tyr)

Gene: PAH (phenylalanine hydroxylase; minus strand). Cytogenetic location: 12q23.2.
Variant type: single nucleotide variant.
Coding change: c.608G>A on transcript NM_000277.3 (MANE Select); coding-DNA position 608, G replaced by A.
Protein change: p.Cys203Tyr; replaces cysteine 203 with tyrosine.
Molecular consequence: missense variant.
Genome position (GRCh38, 1-based): chr12:102,855,234, C>T on the plus strand (G>A on the coding strand, the complement: PAH is on the minus strand). VCF-style: chr12-102855234-C-T. GRCh37 (hg19) VCF-style: chr12-103249012-C-T.
Other names: c.608G>A, p.Cys203Tyr (NM_001354304.2); short protein forms C203Y.
Identifiers: ClinVar variation 102754 (VCV000102754.3), dbSNP rs62507271, ClinGen allele CA229645.

ClinVar aggregate classification (germline): Likely pathogenic. Review status: reviewed by expert panel (3 of 4 stars). 3 submissions from 3 submitters: Likely pathogenic (1). 2 of the submissions do not count toward it. Last evaluated 2020-02-23.

Conditions:
Phenylketonuria (PKU). Also called: Phenylketonuria (PKU); FOLLING DISEASE; OLIGOPHRENIA PHENYLPYRUVICA; Phenylketonurias. Identifiers: Orphanet 716, MedGen C0031485, MONDO:0009861, OMIM 261600. Disease mechanism: loss of function.

Allele frequency attached by ClinVar (database versions not stated): gnomAD exomes below 0.00001.

Submissions (3):

ClinGen PAH Variant Curation Expert Panel
Classification: Likely pathogenic for Phenylketonuria. Last evaluated: 2020-02-23. Review status: reviewed by expert panel. Criteria: ClinGen PAH ACMG Specifications v1. Collection method: curation. Allele origin: germline. Inheritance: Autosomal recessive inheritance.
Comment: The c.608G>A (p.Cys203Tyr) variant in PAH has been reported in 3 individuals with mild PKU and HPA (BH4 deficiency excluded). (PMID: 27121329, 23842451). This variant is absent in population databases. This variant was detected with pathogenic variants p.A300S in 2 patients (once confirmed in trans PMID: 23352389, 23500595, 27121329) and p.L348V PMID: 23842451 (2.0 points). Computational evidence supports a deleterious effect. In summary, this variant meets criteria to be classified as likely pathogenic for PAH. PAH-specific ACMG/AMP criteria applied: PP4_Moderate, PM2, PM3_Strong, PP3.

Myriad Genetics, Inc.
Classification: Likely pathogenic for Phenylketonuria. Last evaluated: 2026-05-14. Review status: criteria provided, single submitter. Criteria: Myriad Autosomal Dominant, Autosomal Recessive and X-Linked Classification Criteria (2023). Collection method: clinical testing. Allele origin: unknown. Not counted in ClinVar's aggregate classification.
Comment: NM_000277.1(PAH):c.608G>A(C203Y) is a missense variant classified as likely pathogenic in the context of phenylalanine hydroxylase deficiency. C203Y has been observed in cases with relevant disease (PMID: 23842451, 23500595, 29390883). Relevant functional assessments of this variant are not available in the literature. C203Y has not been observed in referenced population frequency databases. In summary, NM_000277.1(PAH):c.608G>A(C203Y) is a missense variant that has been observed more frequently in cases with the relevant disease than in healthy populations. Please note: this variant was assessed in the context of healthy population screening.

DeBelle Laboratory for Biochemical Genetics, MUHC/MCH RESEARCH INSTITUTE
No classification provided. Review status: no classification provided. Collection method: not provided. Allele origin: not provided. Not counted in ClinVar's aggregate classification.

Literature cited by the submitters: PubMed 23500595 (cited by Myriad Genetics, Inc.); PubMed 23842451 (cited by Myriad Genetics, Inc.); PubMed 29390883 (cited by Myriad Genetics, Inc.).